The following is an entry in ClinVar:

ClinVar aggregate classification (germline): Conflicting classifications of pathogenicity. Review status: criteria provided, conflicting classifications (1 of 4 stars). 3 submissions from 3 submitters: Uncertain significance (1); Benign (1); Likely benign (1). Last evaluated 2025-03-10.

Conditions:
Cardiac arrhythmia. Also called: Arrhythmia; Cardiac rhythm disease. Identifiers: MedGen C0003811, MONDO:0007263, HP:0011675.

Allele frequency attached by ClinVar (database versions not stated): gnomAD 0.00001; TOPMed 0.00005; ESP Exome Variant Server 0.00008; gnomAD exomes 0.00010; ExAC 0.00011.
gnomAD v4.1: 44 of 1,565,970 alleles (0.0028%); highest among the groups gnomAD compares: Admixed American, 0.039%; 1 homozygote.

Submissions (3):

Color Diagnostics, LLC DBA Color Health
Classification: Benign for Cardiac arrhythmia. Last evaluated: 2025-03-10. Review status: criteria provided, single submitter. Criteria: ACMG Guidelines, 2015. Collection method: clinical testing. Allele origin: germline.

GeneDx
Classification: Uncertain significance. Last evaluated: 2024-08-01. Review status: criteria provided, single submitter. Criteria: GeneDx Variant Classification Process June 2021. Collection method: clinical testing. Allele origin: germline. Affected: yes.
Comment: Has not been previously published as pathogenic or benign to our knowledge; In silico analysis indicates that this missense variant does not alter protein structure/function; Reported using an alternate transcript of the gene

Blueprint Genetics
Classification: Likely benign. Last evaluated: 2023-03-22. Review status: criteria provided, single submitter. Criteria: ACMG Guidelines, 2015. Collection method: clinical testing. Allele origin: germline.

NM_000238.4(KCNH2):c.1128+1861G>A

Gene: KCNH2 (potassium voltage-gated channel subfamily H member 2; minus strand). Cytogenetic location: 7q36.1.
Variant type: single nucleotide variant.
Coding change: c.1128+1861G>A on transcript NM_000238.4 (MANE Select); 1861 bases into the intron after coding-DNA position 1128, G replaced by A.
Molecular consequence: intron variant. On other transcripts: missense variant (2), non-coding transcript variant (1).
Genome position (GRCh38, 1-based): chr7:150,955,430, C>T on the plus strand (G>A on the coding strand, the complement: KCNH2 is on the minus strand). VCF-style: chr7-150955430-C-T. GRCh37 (hg19) VCF-style: chr7-150652518-C-T.
Other names: c.74G>A, p.Arg25Gln (NM_001204798.2, NM_172057.3); c.840+1861G>A (NM_001406753.1, NM_001406756.1); c.1128+1861G>A (NM_172056.3); c.951+1861G>A (NM_001406755.1); c.828+1861G>A (NM_001406757.1); short protein forms R25Q.
Identifiers: ClinVar variation 630562 (VCV000630562.8), dbSNP rs41311009, ClinGen allele CA027017.